The following is an entry in ClinVar:

NM_005228.5(EGFR):c.775A>G (p.Thr259Ala)

Gene: EGFR (epidermal growth factor receptor; plus strand). Cytogenetic location: 7p11.2.
Variant type: single nucleotide variant.
Coding change: c.775A>G on transcript NM_005228.5 (MANE Select); coding-DNA position 775, A replaced by G.
Protein change: p.Thr259Ala; replaces threonine 259 with alanine.
Molecular consequence: missense variant. On other transcripts: intron variant (1).
Genome position (GRCh38, 1-based): chr7:55,154,038, A>G. VCF-style: chr7-55154038-A-G. GRCh37 (hg19) VCF-style: chr7-55221731-A-G.
Other names: c.640A>G, p.Thr214Ala (NM_001346897.2, NM_001346899.2); c.775A>G, p.Thr259Ala (NM_001346898.2, NM_201282.2, NM_201283.2 and 1 more transcripts); c.616A>G, p.Thr206Ala (NM_001346900.2); c.89-1792A>G (NM_001346941.2); short protein forms T214A, T259A, T206A.
Identifiers: ClinVar variation 1980302 (VCV001980302.4), dbSNP rs1396651256, ClinGen allele CA367577641.

ClinVar aggregate classification (germline): Uncertain significance (1 of 4 stars; one submission).

Conditions:
EGFR-related lung cancer (EGFR). Identifiers: MedGen CN130014.

gnomAD v4.1: 1 of 1,614,158 alleles (0.000062%); highest among the groups gnomAD compares: Non-Finnish European, 0.000085%; no homozygotes.

Submission:

Labcorp Genetics (formerly Invitae), Labcorp
Classification: Uncertain significance for EGFR-related lung cancer. Last evaluated: 2022-04-04. Review status: criteria provided, single submitter. Criteria: Invitae Variant Classification Sherloc (09022015). Collection method: clinical testing. Allele origin: germline.
Comment: This sequence change replaces threonine, which is neutral and polar, with alanine, which is neutral and non-polar, at codon 259 of the EGFR protein (p.Thr259Ala). This variant is not present in population databases (gnomAD no frequency). This variant has not been reported in the literature in individuals affected with EGFR-related conditions. Algorithms developed to predict the effect of missense changes on protein structure and function are either unavailable or do not agree on the potential impact of this missense change (SIFT: "Tolerated"; PolyPhen-2: "Possibly Damaging"; Align-GVGD: "Class C0"). In summary, the available evidence is currently insufficient to determine the role of this variant in disease. Therefore, it has been classified as a Variant of Uncertain Significance.